The following is an entry in ClinVar:

ClinVar aggregate classification (germline): Pathogenic (1 of 4 stars; one submission).

Submission:

Labcorp Genetics (formerly Invitae), Labcorp
Classification: Pathogenic. Last evaluated: 2023-11-17. Review status: criteria provided, single submitter. Criteria: Invitae Variant Classification Sherloc (09022015). Collection method: clinical testing. Allele origin: germline.
Comment: This sequence change creates a premature translational stop signal (p.Asn205Metfs*33) in the ATP8B1 gene. It is expected to result in an absent or disrupted protein product. Loss-of-function variants in ATP8B1 are known to be pathogenic (PMID: 15239083, 22525741). This variant is not present in population databases (gnomAD no frequency). This variant has not been reported in the literature in individuals affected with ATP8B1-related conditions. For these reasons, this variant has been classified as Pathogenic.

Literature cited by the submitters: PubMed 15239083; PubMed 22525741.

NM_001374385.1(ATP8B1):c.614del (p.Asn205fs)

Gene: ATP8B1 (ATPase phospholipid transporting 8B1; minus strand). Cytogenetic location: 18q21.31.
Variant type: Deletion.
Coding change: c.614del on transcript NM_001374385.1 (MANE Select); coding-DNA position 614, one base deleted (A; older notation c.614delA).
Protein change: p.Asn205fs; shifts the reading frame from asparagine 205.
Molecular consequence: frameshift variant.
Genome position (GRCh38, 1-based): chr18:57,697,808, T deleted on the plus strand (A on the coding strand, the reverse complement: ATP8B1 is on the minus strand); the first of 8 consecutive T bases (chr18:57,697,808-57,697,815); deleting any one gives the same sequence. VCF-style (leftmost placement, unchanged base first): chr18-57697807-AT-A. GRCh37 (hg19) VCF-style: chr18-55365039-AT-A.
Other names: c.464del, p.Asn155fs (NM_001374386.1); c.614del, p.Asn205fs (NM_005603.6); short protein forms N155fs, N205fs.
Identifiers: ClinVar variation 2872260 (VCV002872260.3), dbSNP rs761784230, ClinGen allele CA8974794.
Genomic context (GRCh38, chr18:57,697,807, plus strand): 5'-GGGCTGGGGGAGAACAAGGAACAAGAGAAGCAGAATTTGTTCACTTACTGGAACAAAATC[AT>A]TTTTTTTCAGACGAATGACGTCTCCAACTTGAATTTCTTTCCACTTAGCAACTTTGAACC-3'